The following is an entry in ClinVar:

ClinVar aggregate classification (germline): Benign. Review status: criteria provided, multiple submitters, no conflicts (2 of 4 stars). 2 submissions from 2 submitters: Benign (2). Last evaluated 2026-07-01.

Conditions:
Glycogen storage disease, type II (IOPD). Also called: CARDIOMEGALIA GLYCOGENICA DIFFUSA; GLYCOGENOSIS, GENERALIZED, CARDIAC FORM; GSD II; Glycogen storage disease type 2; Acid maltase deficiency disease; Aglucosidase alfa. Identifiers: Orphanet 365, MedGen C0017921, MONDO:0009290, OMIM 232300.

Allele frequency attached by ClinVar (database versions not stated): TOPMed 0.03950; gnomAD 0.06638 and 0.07172; 1000 Genomes Project 0.07808; 1000 Genomes Project 30x 0.09291.

Submissions (2):

Genomenon, Inc
Classification: Benign for Glycogen storage disease, type II. Last evaluated: 2026-07-01. Review status: criteria provided, single submitter. Criteria: Genomenon Sequence Variant Interpretation Standards - Updated. Collection method: curation. Allele origin: germline. Affected: no.
Comment: GAA c.1327-321del is a deletion variant located in intron 8. This variant is present at high allele frequency in population databases. We classify GAA c.1327-321del as a benign variant.

GeneDx
Classification: Benign. Last evaluated: 2018-06-26. Review status: criteria provided, single submitter. Criteria: GeneDx Variant Classification Process June 2021. Collection method: clinical testing. Allele origin: germline. Affected: yes.

NM_000152.5(GAA):c.1327-321del

Gene: GAA (alpha glucosidase; plus strand). Cytogenetic location: 17q25.3.
Variant type: Deletion.
Coding change: c.1327-321del on transcript NM_000152.5 (MANE Select); 321 bases into the intron before coding-DNA position 1327, one base deleted (C; older notation c.1327-321delC).
Molecular consequence: intron variant.
Genome position (GRCh38, 1-based): chr17:80,109,624, C deleted. VCF-style (leftmost placement, unchanged base first): chr17-80109623-AC-A. GRCh37 (hg19) VCF-style: chr17-78083422-AC-A.
Other names: c.1327-321del (NM_001079803.3, NM_001079804.3).
Identifiers: ClinVar variation 1289376 (VCV001289376.3), dbSNP rs140385114, ClinGen allele CA294893531.